The following is an entry in ClinVar:

NM_014264.5(PLK4):c.1532A>G (p.Gln511Arg)

Gene: PLK4 (polo like kinase 4; plus strand). Cytogenetic location: 4q28.1.
Variant type: single nucleotide variant.
Coding change: c.1532A>G on transcript NM_014264.5 (MANE Select); coding-DNA position 1532, A replaced by G.
Protein change: p.Gln511Arg; replaces glutamine 511 with arginine.
Molecular consequence: missense variant.
Genome position (GRCh38, 1-based): chr4:127,889,938, A>G. VCF-style: chr4-127889938-A-G. GRCh37 (hg19) VCF-style: chr4-128811093-A-G.
Other names: c.1436A>G, p.Gln479Arg (NM_001190799.2); c.1409A>G, p.Gln470Arg (NM_001190801.2); short protein forms Q479R, Q470R, Q511R.
Identifiers: ClinVar variation 2049373 (VCV002049373.4), dbSNP rs771169607, ClinGen allele CA3076799.

ClinVar aggregate classification (germline): Uncertain significance (1 of 4 stars; one submission).

Allele frequency attached by ClinVar (database versions not stated): ExAC 0.00001; gnomAD 0.00001; gnomAD exomes 0.00002.
gnomAD v4.1: 10 of 1,613,862 alleles (0.00062%); no homozygotes.

Submission:

Labcorp Genetics (formerly Invitae), Labcorp
Classification: Uncertain significance. Last evaluated: 2021-12-19. Review status: criteria provided, single submitter. Criteria: Invitae Variant Classification Sherloc (09022015). Collection method: clinical testing. Allele origin: germline.
Comment: In summary, the available evidence is currently insufficient to determine the role of this variant in disease. Therefore, it has been classified as a Variant of Uncertain Significance. This sequence change replaces glutamine, which is neutral and polar, with arginine, which is basic and polar, at codon 511 of the PLK4 protein (p.Gln511Arg). This variant is present in population databases (rs771169607, gnomAD 0.02%). This variant has not been reported in the literature in individuals affected with PLK4-related conditions. Algorithms developed to predict the effect of missense changes on protein structure and function output the following: SIFT: "Tolerated"; PolyPhen-2: "Benign"; Align-GVGD: "Class C0". The arginine amino acid residue is found in multiple mammalian species, which suggests that this missense change does not adversely affect protein function.